The following is an entry in ClinVar:

NM_001204.7(BMPR2):c.44del (p.Pro15fs)

Gene: BMPR2 (bone morphogenetic protein receptor type 2; plus strand). Cytogenetic location: 2q33.1.
Variant type: Deletion.
Coding change: c.44del on transcript NM_001204.7 (MANE Select); coding-DNA position 44, one base deleted (C; older notation c.44delC).
Protein change: p.Pro15fs; shifts the reading frame from proline 15.
Molecular consequence: frameshift variant.
Genome position (GRCh38, 1-based): chr2:202,377,518, C deleted; the last of 2 consecutive C bases (chr2:202,377,517-202,377,518); deleting either gives the same sequence. VCF-style (leftmost placement, unchanged base first): chr2-202377516-AC-A. GRCh37 (hg19) VCF-style: chr2-203242239-AC-A.
Other names: c.44del (LRG_712t1); short protein forms P15fs.
Identifiers: ClinVar variation 8814 (VCV000008814.2), dbSNP rs483352902, ClinGen allele CA149750.

ClinVar aggregate classification (germline): Pathogenic. Review status: criteria provided, single submitter (1 of 4 stars). 3 submissions from 2 submitters: Pathogenic (1). 2 of the submissions do not count toward it. Last evaluated 2025-09-14.

Conditions:
Primary pulmonary hypertension. Also called: Idiopathic pulmonary hypertension. Identifiers: MedGen C0152171.
Pulmonary venoocclusive disease 1 (PVOD1). Also called: Pulmonary venoocclusive disease 1, autosomal dominant. Identifiers: Orphanet 31837, MedGen C3887658, MONDO:0020713, OMIM 265450.
Pulmonary hypertension, primary, 1 (PPH1). Also called: Pulmonary hypertension, familial primary, 1, with or without HHT. Identifiers: Orphanet 422, MedGen C4552070, MONDO:0024533, OMIM 178600.

Submissions (3):

Labcorp Genetics (formerly Invitae), Labcorp
Classification: Pathogenic for Primary pulmonary hypertension. Last evaluated: 2025-09-14. Review status: criteria provided, single submitter. Criteria: Invitae Variant Classification Sherloc (09022015). Collection method: clinical testing. Allele origin: germline.
Comment: This sequence change creates a premature translational stop signal (p.Pro15Hisfs*32) in the BMPR2 gene. It is expected to result in an absent or disrupted protein product. Loss-of-function variants in BMPR2 are known to be pathogenic (PMID: 16429395). This variant is not present in population databases (gnomAD no frequency). This premature translational stop signal has been observed in individual(s) with pulmonary hypertension (PMID: 11115378). ClinVar contains an entry for this variant (Variation ID: 8814). For these reasons, this variant has been classified as Pathogenic.

OMIM
Classification: Pathogenic for PULMONARY HYPERTENSION, PRIMARY, 1. Last evaluated: 2003-03-15. Review status: no assertion criteria provided. Collection method: literature only. Allele origin: germline. Not counted in ClinVar's aggregate classification.

OMIM
Classification: Pathogenic for PULMONARY VENOOCCLUSIVE DISEASE 1. Last evaluated: 2003-03-15. Review status: no assertion criteria provided. Collection method: literature only. Allele origin: germline. Not counted in ClinVar's aggregate classification.

Literature cited by the submitters: PubMed 16429395 (cited by Labcorp Genetics (formerly Invitae), Labcorp); PubMed 11115378 (cited by Labcorp Genetics (formerly Invitae), Labcorp and OMIM); PubMed 12446270 (cited by OMIM).